The following is an entry in ClinVar:

ClinVar aggregate classification (germline): Uncertain significance (1 of 4 stars; one submission).

Submission:

GeneDx
Classification: Uncertain significance. Last evaluated: 2025-02-24. Review status: criteria provided, single submitter. Criteria: GeneDx Variant Classification Process June 2021. Collection method: clinical testing. Allele origin: germline. Affected: yes.
Comment: Not observed at significant frequency in large population cohorts (gnomAD); Missense variant in a gene in which most reported pathogenic variants are truncating/loss of function; Has not been previously published as pathogenic or benign to our knowledge

NM_001267550.2(TTN):c.16654T>A (p.Ser5552Thr)

Gene: TTN (titin; minus strand). Cytogenetic location: 2q31.2.
Variant type: single nucleotide variant.
Coding change: c.16654T>A on transcript NM_001267550.2 (MANE Select); coding-DNA position 16654, T replaced by A.
Protein change: p.Ser5552Thr; replaces serine 5552 with threonine.
Molecular consequence: missense variant. On other transcripts: intron variant (3).
Genome position (GRCh38, 1-based): chr2:178,732,315, A>T on the plus strand (T>A on the coding strand, the complement: TTN is on the minus strand). VCF-style: chr2-178732315-A-T. GRCh37 (hg19) VCF-style: chr2-179597042-A-T.
Other names: c.15703T>A, p.Ser5235Thr (NM_001256850.1); c.12922T>A, p.Ser4308Thr (NM_133378.4); c.13282+5767T>A (NM_003319.4); c.13858+5767T>A (NM_133437.4); c.13657+5767T>A (NM_133432.3); short protein forms S4308T, S5235T, S5552T.
Identifiers: ClinVar variation 4076538 (VCV004076538.1).
Genomic context (GRCh38, chr2:178,732,315, plus strand): 5'-GAGGGGTACCAGTTACTTTGCAGGCTAGCTGGGTGGCATCTCCCTTCTTTAACAGCTGTG[A>T]TGGCTCTAACTTTTCAACAAATGTGGCAGGTTCTGTGGAAGGAAGGAAGTTATTAAGAAA-3'
Protein context (NP_001254479.2, residues 5542-5562): PATFVEKLEP[Ser5552Thr]QLLKKGDATQ